The following is an entry in ClinVar:

ClinVar aggregate classification (germline): Uncertain significance (1 of 4 stars; one submission).

Conditions:
Dyskeratosis congenita, autosomal dominant 1 (DKCA1). Also called: Dyskeratosis congenita Scoggins type. Identifiers: Orphanet 1775, MedGen C4551974, MONDO:0007485, OMIM 127550. Inheritance: Variable.

Submission:

Labcorp Genetics (formerly Invitae), Labcorp
Classification: Uncertain significance for Dyskeratosis congenita, autosomal dominant 1. Last evaluated: 2020-11-23. Review status: criteria provided, single submitter. Criteria: Invitae Variant Classification Sherloc (09022015). Collection method: clinical testing. Allele origin: germline.
Comment: In summary, the available evidence is currently insufficient to determine the role of this variant in disease. Therefore, it has been classified as a Variant of Uncertain Significance. This variant is located within the template/pseudoknot domain of the TERC RNA component, which is required for RNA or RNP stability (PMID: 15082312, 21844345). A significant number of disease associated TERC variants are found in this region (PMID: 21931702). This variant has not been reported in the literature in individuals with TERC-related conditions. This variant is not present in population databases (ExAC no frequency). This variant occurs in the TERC gene, which encodes an RNA molecule that does not result in a protein product.

Literature cited by the submitters: PubMed 15082312; PubMed 21844345; PubMed 21931702.

NC_000003.12:g.169764913G>C

Genes: TERC (telomerase RNA component; minus strand), LOC110806306 (telomerase RNA component (TERC) promoter; plus strand). Cytogenetic location: 3q26.2.
Variant type: single nucleotide variant.
Genome position: GRCh38 VCF-style: chr3-169764913-G-C. GRCh37 (hg19) VCF-style: chr3-169482701-G-C.
Identifiers: ClinVar variation 1502644 (VCV001502644.8), dbSNP rs2108183190, ClinGen allele CA436715632.